The following is an entry in ClinVar:

NM_000202.8(IDS):c.126C>G (p.Ile42Met)

Gene: IDS (iduronate 2-sulfatase; minus strand). Cytogenetic location: Xq28.
Variant type: single nucleotide variant.
Coding change: c.126C>G on transcript NM_000202.8 (MANE Select); coding-DNA position 126, C replaced by G.
Protein change: p.Ile42Met; replaces isoleucine 42 with methionine.
Molecular consequence: missense variant. On other transcripts: 5 prime UTR variant (1), non-coding transcript variant (1).
Genome position (GRCh38, 1-based): chrX:149,504,271, G>C on the plus strand (C>G on the coding strand, the complement: IDS is on the minus strand). VCF-style: chrX-149504271-G-C. GRCh37 (hg19) VCF-style: chrX-148585801-G-C.
Other names: c.-101C>G (NM_001166550.4); c.126C>G, p.Ile42Met (NM_006123.5); short protein forms I42M.
Identifiers: ClinVar variation 4853651 (VCV004853651.2).
Genomic context (GRCh38, chrX:149,504,271, plus strand): 5'-TGGGGACCTCACCAGCTTATCCCCATAACAGCCCAGGGAGGGGCGCAGGTCATCCACGAT[G>C]ATGAGAAGAACGTTCAGAGCATCTACACAGGAGGGAGGGGCTTTGGTGAGGTAACCTGCA-3'
Protein context (NP_000193.1, residues 32-52): STTDALNVLL[Ile42Met]IVDDLRPSLG

ClinVar aggregate classification (germline): Uncertain significance. Review status: criteria provided, multiple submitters, no conflicts (2 of 4 stars). 2 submissions from 2 submitters: Uncertain significance (2). Last evaluated 2026-05-27.

Submissions (2):

Women's Health and Genetics/Laboratory Corporation of America, LabCorp
Classification: Uncertain significance. Last evaluated: 2026-05-27. Review status: criteria provided, single submitter. Criteria: LabCorp Variant Classification Summary - May 2015. Collection method: clinical testing. Allele origin: germline.
Comment: Variant summary: IDS c.126C>G (p.Ile42Met) results in a conservative amino acid change in the encoded protein sequence. Algorithms developed to predict the effect of missense changes on protein structure and function are either unavailable or do not agree on the potential impact of this missense change. The variant was absent in 177003 control chromosomes. The available data on variant occurrences in the general population are insufficient to allow any conclusion about variant significance. To our knowledge, no occurrence of c.126C>G in individuals affected with IDS-related conditions and no experimental evidence demonstrating its impact on protein function have been reported. No submitters have cited clinical-significance assessments for this variant to ClinVar. Based on the evidence outlined above, the variant was classified as uncertain significance.

Blueprint Genetics
Classification: Uncertain significance. Last evaluated: 2021-09-29. Review status: criteria provided, single submitter. Criteria: ACMG Guidelines, 2015. Collection method: clinical testing. Allele origin: germline.